The following is an entry in ClinVar:

NM_002471.4(MYH6):c.3672C>T (p.Ser1224=)

Gene: MYH6 (myosin heavy chain 6; minus strand). Cytogenetic location: 14q11.2.
Variant type: single nucleotide variant.
Coding change: c.3672C>T on transcript NM_002471.4 (MANE Select); coding-DNA position 3672, C replaced by T.
Protein change: p.Ser1224=; no amino-acid change (serine 1224 retained).
Molecular consequence: synonymous variant.
Genome position (GRCh38, 1-based): chr14:23,390,117, G>A on the plus strand (C>T on the coding strand, the complement: MYH6 is on the minus strand). VCF-style: chr14-23390117-G-A. GRCh37 (hg19) VCF-style: chr14-23859326-G-A.
Identifiers: ClinVar variation 1511074 (VCV001511074.6), dbSNP rs755267212, ClinGen allele CA7115109.

ClinVar aggregate classification (germline): Uncertain significance (1 of 4 stars; one submission).

Conditions:
Hypertrophic cardiomyopathy 14. Identifiers: MedGen C2750467, MONDO:0013197, OMIM 613251.

Allele frequency attached by ClinVar (database versions not stated): TOPMed below 0.00001; ExAC 0.00002; gnomAD exomes 0.00003.
gnomAD v4.1: 12 of 1,612,076 alleles (0.00074%); highest among the groups gnomAD compares: East Asian, 0.0045%; no homozygotes.

Submission:

Labcorp Genetics (formerly Invitae), Labcorp
Classification: Uncertain significance for Hypertrophic cardiomyopathy 14. Last evaluated: 2021-09-15. Review status: criteria provided, single submitter. Criteria: Invitae Variant Classification Sherloc (09022015). Collection method: clinical testing. Allele origin: germline.
Comment: In summary, the available evidence is currently insufficient to determine the role of this variant in disease. Therefore, it has been classified as a Variant of Uncertain Significance. Algorithms developed to predict the effect of sequence changes on RNA splicing suggest that this variant may create or strengthen a splice site. This sequence change affects codon 1224 of the MYH6 mRNA. It is a 'silent' change, meaning that it does not change the encoded amino acid sequence of the MYH6 protein. The frequency data for this variant in the population databases is considered unreliable, as metrics indicate poor data quality at this position in the ExAC database. This variant has not been reported in the literature in individuals affected with MYH6-related conditions.